The following is an entry in ClinVar:

ClinVar aggregate classification (germline): Uncertain significance (1 of 4 stars; one submission).

Allele frequency attached by ClinVar (database versions not stated): gnomAD exomes below 0.00001; TOPMed below 0.00001; gnomAD 0.00001.
gnomAD v4.1: 2 of 1,598,732 alleles (0.00013%); highest among the groups gnomAD compares: Non-Finnish European, 0.00017%; no homozygotes.

Submission:

Ambry Genetics
Classification: Uncertain significance. Last evaluated: 2020-08-05. Review status: criteria provided, single submitter. Criteria: Ambry Variant Classification Scheme 2023. Collection method: clinical testing. Allele origin: germline.
Comment: The p.Q636* variant (also known as c.1906C>T), located in coding exon 13 of the RINT1 gene, results from a C to T substitution at nucleotide position 1906. This changes the amino acid from a glutamine to a stop codon within coding exon 13. This alteration is expected to result in premature protein truncation or nonsense-mediated mRNA decay. However, the gene-disease association for RINT1 has not been established. Since supporting evidence is limited at this time, the clinical significance of this alteration remains unclear.

NM_021930.6(RINT1):c.1906C>T (p.Gln636Ter)

Genes: EFCAB10 (EF-hand calcium binding domain 10; minus strand), RINT1 (RAD50 interactor 1; plus strand). Cytogenetic location: 7q22.3.
Variant type: single nucleotide variant.
Coding change: c.1906C>T on transcript NM_021930.6 (MANE Select); coding-DNA position 1906, C replaced by T.
Protein change: p.Gln636Ter; replaces glutamine 636 with a stop codon.
Molecular consequence: nonsense. On other transcripts: 3 prime UTR variant (3), non-coding transcript variant (1).
Genome position (GRCh38, 1-based): chr7:105,565,296, C>T. VCF-style: chr7-105565296-C-T. GRCh37 (hg19) VCF-style: chr7-105205743-C-T.
Other names: c.*151G>A (NM_001355526.2); c.*253G>A (NM_001355530.2); c.*106G>A (NM_001355531.2); c.1672C>T, p.Gln558Ter (NM_001346599.2); c.883C>T, p.Gln295Ter (NM_001346600.2, NM_001346603.2); c.982C>T, p.Gln328Ter (NM_001346601.2); short protein forms Q328*, Q558*, Q295*, Q636*.
Identifiers: ClinVar variation 1782393 (VCV001782393.2), dbSNP rs1791658364, ClinGen allele CA368814673.
Genomic context (GRCh38, chr7:105,565,296, plus strand): 5'-AAACTGATGAAAATTTTTTGGTAAAAATGTGTTTTTTCCAGATGGTTGTCCTTGCCATCT[C>T]AGTCAGAGCAGGCAGTGATGTCCCTGTCCAGTTCGGCTTGCCCGTTGCTGCTGACGTTAC-3'